The following is an entry in ClinVar:

NM_014244.5(ADAMTS2):c.70_71insTGCCGC (p.Leu23_Pro24insLeuPro)

Gene: ADAMTS2 (ADAM metallopeptidase with thrombospondin type 1 motif 2; minus strand). Cytogenetic location: 5q35.3.
Variant type: Insertion.
Coding change: c.70_71insTGCCGC on transcript NM_014244.5 (MANE Select); coding-DNA positions 70 to 71, TGCCGC inserted.
Protein change: p.Leu23_Pro24insLeuPro.
Molecular consequence: inframe insertion.
Genome position: GRCh38 VCF-style: chr5-179345258-G-GGCGGCA. GRCh37 (hg19) VCF-style: chr5-178772259-G-GGCGGCA.
Other names: c.70_71insTGCCGC, p.Leu23_Pro24insLeuPro (NM_021599.4).
Identifiers: ClinVar variation 2499795 (VCV002499795.1), dbSNP rs1561778881, ClinGen allele CA565121230.

ClinVar aggregate classification (germline): Uncertain significance (1 of 4 stars; one submission).

Submission:

GeneDx
Classification: Uncertain significance. Last evaluated: 2022-10-24. Review status: criteria provided, single submitter. Criteria: GeneDx Variant Classification Process June 2021. Collection method: clinical testing. Allele origin: germline. Affected: yes.
Comment: Not observed at significant frequency in large population cohorts (gnomAD); In-frame insertion of 2 amino acids in a repetitive region with no known function; Has not been previously published as pathogenic or benign to our knowledge